The following is an entry in ClinVar:

NM_212482.4(FN1):c.7362+62C>G

Genes: ATIC (5-aminoimidazole-4-carboxamide ribonucleotide formyltransferase/IMP cyclohydrolase; plus strand), FN1 (fibronectin 1; minus strand). Cytogenetic location: 2q35.
Variant type: single nucleotide variant.
Coding change: c.7362+62C>G on transcript NM_212482.4 (MANE Select); 62 bases into the intron after coding-DNA position 7362, C replaced by G.
Molecular consequence: intron variant.
Genome position (GRCh38, 1-based): chr2:215,361,907, G>C on the plus strand (C>G on the coding strand, the complement: FN1 is on the minus strand). VCF-style: chr2-215361907-G-C. GRCh37 (hg19) VCF-style: chr2-216226630-G-C.
Other names: NC_000002.11:g.216226630G>C; c.6459+62C>G (NM_212474.3); c.6651+62C>G (NM_001306132.2); c.6744+62C>G (NM_001365523.2); c.6726+62C>G (NM_001306131.2); c.6819+62C>G (NM_212476.3); c.6729+62C>G (NM_001365524.2); c.6921+62C>G (NM_212478.3); and 9 more.
Identifiers: ClinVar variation 1211335 (VCV001211335.29), dbSNP rs114497844, ClinGen allele CA64834110.
Genomic context (GRCh38, chr2:215,361,907, plus strand): 5'-GTCATTTATGAGTTGTTTTTTTTTTTAATTAATTAAAACACTTGGTTCATTCTGAAGAAA[G>C]ATACCTGTAGAAAGAGACTGTCTAGTATGAGGGAACACACTTGTGCTGCTAATGCACTTA-3'

ClinVar aggregate classification (germline): Benign/Likely benign. Review status: criteria provided, multiple submitters, no conflicts (2 of 4 stars). 3 submissions from 3 submitters: Benign (1); Likely benign (2). Last evaluated 2022-09-01.

Allele frequency attached by ClinVar (database versions not stated): 1000 Genomes Project 0.00319; TOPMed 0.00640; gnomAD exomes 0.00969; gnomAD 0.01018 and 0.01054; 1000 Genomes Project 30x 0.00281.
gnomAD v4.1: 15,041 of 1,560,622 alleles (0.96%); highest among the groups gnomAD compares: Non-Finnish European, 1%; 121 homozygotes.

Submissions (26):

CeGaT Center for Human Genetics Tuebingen
Classification: Benign. Last evaluated: 2022-09-01. Review status: criteria provided, single submitter. Criteria: CeGaT Center For Human Genetics Tuebingen Variant Classification Criteria Version 2. Collection method: clinical testing. Allele origin: germline. Affected: yes. Observed: 1 variant allele.
Comment: FN1: BS1, BS2

GeneDx
Classification: Likely benign. Last evaluated: 2019-12-29. Review status: criteria provided, single submitter. Criteria: GeneDx Variant Classification Process June 2021. Collection method: clinical testing. Allele origin: germline. Affected: yes.

Breakthrough Genomics
Classification: Likely benign. Review status: criteria provided, single submitter. Criteria: ACMG Guidelines, 2015. Collection method: not provided. Allele origin: germline. Inheritance: Autosomal dominant inheritance. Affected: yes.

Dr. Peter K. Rogan Lab, Western University
No classification provided (evidence only). Condition: Lung cancer. Review status: no classification provided. Collection method: in vitro. Allele origin: not applicable. Functional consequence: cryptic splice site, retained intron. Not counted in ClinVar's aggregate classification.

Dr. Peter K. Rogan Lab, Western University
No classification provided (evidence only). Condition: Lung cancer. Review status: no classification provided. Collection method: in vitro. Allele origin: not applicable. Functional consequence: cryptic splice site. Not counted in ClinVar's aggregate classification.

Dr. Peter K. Rogan Lab, Western University
No classification provided (evidence only). Condition: Lung cancer. Review status: no classification provided. Collection method: in vitro. Allele origin: not applicable. Functional consequence: cryptic splice site, retained intron. Not counted in ClinVar's aggregate classification.

Dr. Peter K. Rogan Lab, Western University
No classification provided (evidence only). Condition: Lung cancer. Review status: no classification provided. Collection method: in vitro. Allele origin: not applicable. Functional consequence: cryptic splice site, retained intron. Not counted in ClinVar's aggregate classification.

Dr. Peter K. Rogan Lab, Western University
No classification provided (evidence only). Condition: Lung cancer. Review status: no classification provided. Collection method: in vitro. Allele origin: not applicable. Functional consequence: cryptic splice site. Not counted in ClinVar's aggregate classification.

Dr. Peter K. Rogan Lab, Western University
No classification provided (evidence only). Condition: Acute myeloid leukemia. Review status: no classification provided. Collection method: in vitro. Allele origin: not applicable. Functional consequence: retained intron. Not counted in ClinVar's aggregate classification.

Dr. Peter K. Rogan Lab, Western University
No classification provided (evidence only). Condition: Uterine corpus endometrial carcinoma. Review status: no classification provided. Collection method: in vitro. Allele origin: not applicable. Functional consequence: retained intron. Not counted in ClinVar's aggregate classification.

Dr. Peter K. Rogan Lab, Western University
No classification provided (evidence only). Condition: Cervical cancer. Review status: no classification provided. Collection method: in vitro. Allele origin: not applicable. Functional consequence: cryptic splice site, retained intron. Not counted in ClinVar's aggregate classification.

Dr. Peter K. Rogan Lab, Western University
No classification provided (evidence only). Condition: Sarcoma. Review status: no classification provided. Collection method: in vitro. Allele origin: not applicable. Functional consequence: cryptic splice site. Not counted in ClinVar's aggregate classification.

Dr. Peter K. Rogan Lab, Western University
No classification provided (evidence only). Condition: Ovarian serous cystadenocarcinoma. Review status: no classification provided. Collection method: in vitro. Allele origin: not applicable. Functional consequence: retained intron. Not counted in ClinVar's aggregate classification.

Dr. Peter K. Rogan Lab, Western University
No classification provided (evidence only). Condition: Ovarian serous cystadenocarcinoma. Review status: no classification provided. Collection method: in vitro. Allele origin: not applicable. Functional consequence: retained intron. Not counted in ClinVar's aggregate classification.

Dr. Peter K. Rogan Lab, Western University
No classification provided (evidence only). Condition: Ovarian serous cystadenocarcinoma. Review status: no classification provided. Collection method: in vitro. Allele origin: not applicable. Functional consequence: retained intron. Not counted in ClinVar's aggregate classification.

Dr. Peter K. Rogan Lab, Western University
No classification provided (evidence only). Condition: Gastric cancer. Review status: no classification provided. Collection method: in vitro. Allele origin: not applicable. Functional consequence: retained intron. Not counted in ClinVar's aggregate classification.

Dr. Peter K. Rogan Lab, Western University
No classification provided (evidence only). Condition: Malignant tumor of esophagus. Review status: no classification provided. Collection method: in vitro. Allele origin: not applicable. Functional consequence: retained intron. Not counted in ClinVar's aggregate classification.

Dr. Peter K. Rogan Lab, Western University
No classification provided (evidence only). Condition: Nonpapillary renal cell carcinoma. Review status: no classification provided. Collection method: in vitro. Allele origin: not applicable. Functional consequence: cryptic splice site. Not counted in ClinVar's aggregate classification.

Dr. Peter K. Rogan Lab, Western University
No classification provided (evidence only). Condition: Familial pancreatic carcinoma. Review status: no classification provided. Collection method: in vitro. Allele origin: not applicable. Functional consequence: cryptic splice site. Not counted in ClinVar's aggregate classification.

Dr. Peter K. Rogan Lab, Western University
No classification provided (evidence only). Condition: Familial pancreatic carcinoma. Review status: no classification provided. Collection method: in vitro. Allele origin: not applicable. Functional consequence: cryptic splice site. Not counted in ClinVar's aggregate classification.

Dr. Peter K. Rogan Lab, Western University
No classification provided (evidence only). Condition: Lymphoma. Review status: no classification provided. Collection method: in vitro. Allele origin: not applicable. Functional consequence: cryptic splice site, retained intron. Not counted in ClinVar's aggregate classification.

Dr. Peter K. Rogan Lab, Western University
No classification provided (evidence only). Condition: Ovarian cancer. Review status: no classification provided. Collection method: in vitro. Allele origin: not applicable. Functional consequence: cryptic splice site, skipped exon, retained intron. Not counted in ClinVar's aggregate classification.

Dr. Peter K. Rogan Lab, Western University
No classification provided (evidence only). Condition: Ovarian cancer. Review status: no classification provided. Collection method: in vitro. Allele origin: not applicable. Functional consequence: cryptic splice site, skipped exon, retained intron. Not counted in ClinVar's aggregate classification.

Dr. Peter K. Rogan Lab, Western University
No classification provided (evidence only). Condition: Ovarian cancer. Review status: no classification provided. Collection method: in vitro. Allele origin: not applicable. Functional consequence: cryptic splice site, retained intron. Not counted in ClinVar's aggregate classification.

Dr. Peter K. Rogan Lab, Western University
No classification provided (evidence only). Condition: Ovarian cancer. Review status: no classification provided. Collection method: in vitro. Allele origin: not applicable. Functional consequence: cryptic splice site, retained intron. Not counted in ClinVar's aggregate classification.

Dr. Peter K. Rogan Lab, Western University
No classification provided (evidence only). Condition: Ovarian cancer. Review status: no classification provided. Collection method: in vitro. Allele origin: not applicable. Functional consequence: cryptic splice site, retained intron. Not counted in ClinVar's aggregate classification.